The following is an entry in ClinVar:

ClinVar aggregate classification (germline): Uncertain significance (1 of 4 stars; one submission).

Allele frequency attached by ClinVar (database versions not stated): gnomAD exomes below 0.00001; TOPMed below 0.00001.
gnomAD v4.1: 2 of 1,614,144 alleles (0.00012%); no homozygotes.

Submission:

Labcorp Genetics (formerly Invitae), Labcorp
Classification: Uncertain significance. Last evaluated: 2025-08-25. Review status: criteria provided, single submitter. Criteria: Invitae Variant Classification Sherloc (09022015). Collection method: clinical testing. Allele origin: germline.
Comment: This sequence change replaces leucine, which is neutral and non-polar, with phenylalanine, which is neutral and non-polar, at codon 121 of the CDC6 protein (p.Leu121Phe). This variant is present in population databases (no rsID available, gnomAD 0.006%). This variant has not been reported in the literature in individuals affected with CDC6-related conditions. ClinVar contains an entry for this variant (Variation ID: 1037797). An algorithm developed to predict the effect of missense changes on protein structure and function (PolyPhen-2) suggests that this variant is likely to be tolerated. In summary, the available evidence is currently insufficient to determine the role of this variant in disease. Therefore, it has been classified as a Variant of Uncertain Significance.

NM_001254.4(CDC6):c.361C>T (p.Leu121Phe)

Gene: CDC6 (cell division cycle 6; plus strand). Cytogenetic location: 17q21.2.
Variant type: single nucleotide variant.
Coding change: c.361C>T on transcript NM_001254.4 (MANE Select); coding-DNA position 361, C replaced by T.
Protein change: p.Leu121Phe; replaces leucine 121 with phenylalanine.
Molecular consequence: missense variant.
Genome position (GRCh38, 1-based): chr17:40,291,240, C>T. VCF-style: chr17-40291240-C-T. GRCh37 (hg19) VCF-style: chr17-38447492-C-T.
Other names: short protein forms L121F.
Identifiers: ClinVar variation 1037797 (VCV001037797.8), dbSNP rs1350637996, ClinGen allele CA399327502.